The following is an entry in ClinVar:

NM_000548.5(TSC2):c.2345A>G (p.Lys782Arg)

Gene: TSC2 (TSC complex subunit 2; plus strand). Cytogenetic location: 16p13.3.
Variant type: single nucleotide variant.
Coding change: c.2345A>G on transcript NM_000548.5 (MANE Select); coding-DNA position 2345, A replaced by G.
Protein change: p.Lys782Arg; replaces lysine 782 with arginine.
Molecular consequence: missense variant.
Genome position (GRCh38, 1-based): chr16:2,072,973, A>G. VCF-style: chr16-2072973-A-G. GRCh37 (hg19) VCF-style: chr16-2122974-A-G.
Other names: c.2378A>G, p.Lys793Arg (NM_001318832.2); c.2345A>G, p.Lys782Arg (NM_001363528.2, NM_001370404.1, NM_001370405.1 and 3 more transcripts); c.2234A>G, p.Lys745Arg (NM_001318827.2); c.2198A>G, p.Lys733Arg (NM_001318829.2); c.1745A>G, p.Lys582Arg (NM_001318831.2); short protein forms K782R, K582R, K793R, K733R, K745R.
Identifiers: ClinVar variation 1472793 (VCV001472793.8), dbSNP rs2151328864, ClinGen allele CA394276696.

ClinVar aggregate classification (germline): Uncertain significance (1 of 4 stars; one submission).

Conditions:
Tuberous sclerosis 2 (TSC2). Identifiers: Orphanet 805, MedGen C1860707, MONDO:0013199, OMIM 613254.

Submission:

Labcorp Genetics (formerly Invitae), Labcorp
Classification: Uncertain significance for Tuberous sclerosis 2. Last evaluated: 2021-02-22. Review status: criteria provided, single submitter. Criteria: Invitae Variant Classification Sherloc (09022015). Collection method: clinical testing. Allele origin: germline.
Comment: In summary, the available evidence is currently insufficient to determine the role of this variant in disease. Therefore, it has been classified as a Variant of Uncertain Significance. Algorithms developed to predict the effect of sequence changes on RNA splicing suggest that this variant may create or strengthen a splice site, but this prediction has not been confirmed by published transcriptional studies. Advanced modeling of protein sequence and biophysical properties (such as structural, functional, and spatial information, amino acid conservation, physicochemical variation, residue mobility, and thermodynamic stability) performed at Invitae indicates that this missense variant is not expected to disrupt TSC2 protein function. This sequence change replaces lysine with arginine at codon 782 of the TSC2 protein (p.Lys782Arg). The lysine residue is moderately conserved and there is a small physicochemical difference between lysine and arginine. This variant is not present in population databases (ExAC no frequency). This variant has not been reported in the literature in individuals with TSC2-related conditions.